The following is an entry in ClinVar:

NM_001257096.2(PAX1):c.1247C>A (p.Ala416Glu)

Gene: PAX1 (paired box 1; plus strand). Cytogenetic location: 20p11.22.
Variant type: single nucleotide variant.
Coding change: c.1247C>A on transcript NM_001257096.2 (MANE Select); coding-DNA position 1247, C replaced by A.
Protein change: p.Ala416Glu; replaces alanine 416 with glutamic acid.
Molecular consequence: missense variant.
Genome position (GRCh38, 1-based): chr20:21,709,409, C>A. VCF-style: chr20-21709409-C-A. GRCh37 (hg19) VCF-style: chr20-21690047-C-A.
Other names: c.1247C>A, p.Ala416Glu (NM_006192.5); short protein forms A416E.
Identifiers: ClinVar variation 1468892 (VCV001468892.4), dbSNP rs758771203, ClinGen allele CA9786735.
Genomic context (GRCh38, chr20:21,709,409, plus strand): 5'-CGCAAGGTCCTCCTCTGGCGCCCCCCGGGGCCGGCGTAGCTGTGCATGGCGGGGAACTCG[C>A]GGCAGCAATGACCTTCAAGCATCCCAGCCGAGAAGGTGAGGAGCGCAGGGAGTGGGGCGG-3'
Protein context (NP_001244025.1, residues 406-426): AGVAVHGGEL[Ala416Glu]AAMTFKHPSR

ClinVar aggregate classification (germline): Uncertain significance (1 of 4 stars; one submission).

Allele frequency attached by ClinVar (database versions not stated): gnomAD 0.00003; ExAC 0.00004.
gnomAD v4.1: 16 of 1,543,938 alleles (0.001%); highest among the groups gnomAD compares: East Asian, 0.028%; no homozygotes.

Submission:

Labcorp Genetics (formerly Invitae), Labcorp
Classification: Uncertain significance. Last evaluated: 2023-11-27. Review status: criteria provided, single submitter. Criteria: Invitae Variant Classification Sherloc (09022015). Collection method: clinical testing. Allele origin: germline.
Comment: This sequence change replaces alanine, which is neutral and non-polar, with glutamic acid, which is acidic and polar, at codon 416 of the PAX1 protein (p.Ala416Glu). This variant is present in population databases (rs758771203, gnomAD 0.07%). This variant has not been reported in the literature in individuals affected with PAX1-related conditions. ClinVar contains an entry for this variant (Variation ID: 1468892). Advanced modeling of protein sequence and biophysical properties (such as structural, functional, and spatial information, amino acid conservation, physicochemical variation, residue mobility, and thermodynamic stability) performed at Invitae indicates that this missense variant is not expected to disrupt PAX1 protein function with a negative predictive value of 80%. In summary, the available evidence is currently insufficient to determine the role of this variant in disease. Therefore, it has been classified as a Variant of Uncertain Significance.